The following is an entry in ClinVar:

NM_014956.5(CEP164):c.3609+9C>G

Gene: CEP164 (centrosomal protein 164; plus strand). Cytogenetic location: 11q23.3.
Variant type: single nucleotide variant.
Coding change: c.3609+9C>G on transcript NM_014956.5 (MANE Select); 9 bases into the intron after coding-DNA position 3609, C replaced by G.
Molecular consequence: intron variant.
Genome position (GRCh38, 1-based): chr11:117,408,041, C>G. VCF-style: chr11-117408041-C-G. GRCh37 (hg19) VCF-style: chr11-117278757-C-G.
Other names: c.3618+9C>G (NM_001271933.2).
Identifiers: ClinVar variation 1996200 (VCV001996200.4), dbSNP rs1422308566, ClinGen allele CA2580083531.

ClinVar aggregate classification (germline): Uncertain significance (1 of 4 stars; one submission).

Conditions:
Nephronophthisis 15 (NPHP15). Identifiers: Orphanet 3156, MedGen C3541853, MONDO:0013917, OMIM 614845.

Submission:

Labcorp Genetics (formerly Invitae), Labcorp
Classification: Uncertain significance for Nephronophthisis 15. Last evaluated: 2022-05-18. Review status: criteria provided, single submitter. Criteria: Invitae Variant Classification Sherloc (09022015). Collection method: clinical testing. Allele origin: germline.
Comment: Algorithms developed to predict the effect of sequence changes on RNA splicing suggest that this variant may create or strengthen a splice site. In summary, the available evidence is currently insufficient to determine the role of this variant in disease. Therefore, it has been classified as a Variant of Uncertain Significance. This variant has not been reported in the literature in individuals affected with CEP164-related conditions. This sequence change falls in intron 28 of the CEP164 gene. It does not directly change the encoded amino acid sequence of the CEP164 protein. This variant is not present in population databases (gnomAD no frequency).